The following is an entry in ClinVar:

NM_001943.5(DSG2):c.1786G>A (p.Gly596Ser)

Gene: DSG2 (desmoglein 2; plus strand). Cytogenetic location: 18q12.1.
Variant type: single nucleotide variant.
Coding change: c.1786G>A on transcript NM_001943.5 (MANE Select); coding-DNA position 1786, G replaced by A.
Protein change: p.Gly596Ser; replaces glycine 596 with serine.
Molecular consequence: missense variant.
Genome position (GRCh38, 1-based): chr18:31,538,885, G>A. VCF-style: chr18-31538885-G-A. GRCh37 (hg19) VCF-style: chr18-29118848-G-A.
Other names: short protein forms G596S.
Identifiers: ClinVar variation 2985313 (VCV002985313.3), dbSNP rs2510919006, ClinGen allele CA402137712.

ClinVar aggregate classification (germline): Uncertain significance (1 of 4 stars; one submission).

Conditions:
Arrhythmogenic right ventricular dysplasia 10. Also called: Arrhythmogenic Right Ventricular Dysplasia/Cardiomyopathy10; ARRHYTHMOGENIC RIGHT VENTRICULAR DYSPLASIA, FAMILIAL, 10; Arrhythmogenic right ventricular dysplasia/cardiomyopathy, type 10. Identifiers: MedGen C1857777, MONDO:0012434, OMIM 610193.

Submission:

Labcorp Genetics (formerly Invitae), Labcorp
Classification: Uncertain significance for Arrhythmogenic right ventricular dysplasia 10. Last evaluated: 2023-08-07. Review status: criteria provided, single submitter. Criteria: Invitae Variant Classification Sherloc (09022015). Collection method: clinical testing. Allele origin: germline.
Comment: Advanced modeling of protein sequence and biophysical properties (such as structural, functional, and spatial information, amino acid conservation, physicochemical variation, residue mobility, and thermodynamic stability) performed at Invitae indicates that this missense variant is not expected to disrupt DSG2 protein function. In summary, the available evidence is currently insufficient to determine the role of this variant in disease. Therefore, it has been classified as a Variant of Uncertain Significance. This sequence change replaces glycine, which is neutral and non-polar, with serine, which is neutral and polar, at codon 596 of the DSG2 protein (p.Gly596Ser). This variant is not present in population databases (gnomAD no frequency). This variant has not been reported in the literature in individuals affected with DSG2-related conditions.